The following is an entry in ClinVar:

ClinVar aggregate classification (germline): Pathogenic/Likely pathogenic. Review status: criteria provided, multiple submitters, no conflicts (2 of 4 stars). 2 submissions from 2 submitters: Pathogenic (1); Likely pathogenic (1). Last evaluated 2026-10-14.

Conditions:
Stickler syndrome, type 6. Also called: Stickler syndrome, type VI; Stickler syndrome, IIa 6. Identifiers: MedGen C5774207, MONDO:0031047, OMIM 620022.
COL9A3-related disorders.

gnomAD v4.1: 2 of 1,612,664 alleles (0.00012%); highest among the groups gnomAD compares: Non-Finnish European, 0.00017%; no homozygotes.

Submissions (2):

Cellular and Molecular Research Center, Cellular and Molecular Medicine Research Institute,, Urmia University of Medical Sciences
Classification: Pathogenic for Stickler syndrome, type 6. Last evaluated: 2026-10-14. Review status: criteria provided, single submitter. Criteria: ACMG Guidelines, 2015. Collection method: clinical testing. Allele origin: germline. Inheritance: Autosomal recessive inheritance. Affected: yes. Observed: 1 variant allele, 1 homozygote.
Comment: The COL9A3 gene (OMIM: 120270), located on chromosome 20q13.33, encodes the alpha-3 chain of type IX collagen, a structural component of the extracellular matrix of hyaline cartilage and vitreous tissue. Type IX collagen consists of three different alpha chains (α1, α2, and α3) and contributes to cartilage stability and organization.The variant NM_001853.4:c.1021C>T represents a single-nucleotide substitution in which cytosine (C) is replaced by thymine (T) at coding DNA position 1021. This substitution changes the codon at amino acid position 341 from arginine (Arg) to a premature stop codon (Ter), resulting in the protein-level consequence p.(Arg341Ter). Therefore, this variant is classified at the molecular level as a nonsense variant. COL9A3 c.1021C>T is a C-to-T nucleotide substitution resulting in p.(Arg341Ter), a premature stop-gain variant. Its predicted effect is truncation of the alpha-3 chain of type IX collagen. However, variant-specific clinical and functional evidence is necessary to establish.

Blueprint Genetics
Classification: Likely pathogenic for COL9A3-related disorders. Last evaluated: 2022-01-12. Review status: criteria provided, single submitter. Criteria: ACMG Guidelines, 2015. Collection method: clinical testing. Allele origin: germline. Affected: yes. Observed: 1 variant allele.

Literature cited by the submitters: PubMed 30450842 (cited by Cellular and Molecular Research Center, Cellular and Molecular Medicine Research Institute,, Urmia University of Medical Sciences).

NM_001853.4(COL9A3):c.1021C>T (p.Arg341Ter)

Gene: COL9A3 (collagen type IX alpha 3 chain; plus strand). Cytogenetic location: 20q13.33.
Variant type: single nucleotide variant.
Coding change: c.1021C>T on transcript NM_001853.4 (MANE Select); coding-DNA position 1021, C replaced by T.
Protein change: p.Arg341Ter; replaces arginine 341 with a stop codon.
Molecular consequence: nonsense.
Genome position (GRCh38, 1-based): chr20:62,829,467, C>T. VCF-style: chr20-62829467-C-T. GRCh37 (hg19) VCF-style: chr20-61460819-C-T.
Other names: short protein forms R341*.
Identifiers: ClinVar variation 4945687 (VCV004945687.2).